The following is an entry in ClinVar:

NM_031407.7(HUWE1):c.5974C>T (p.Arg1992Trp)

Gene: HUWE1 (HECT, UBA and WWE domain containing E3 ubiquitin protein ligase 1; minus strand). Cytogenetic location: Xp11.22.
Variant type: single nucleotide variant.
Coding change: c.5974C>T on transcript NM_031407.7 (MANE Select); coding-DNA position 5974, C replaced by T.
Protein change: p.Arg1992Trp; replaces arginine 1992 with tryptophan.
Molecular consequence: missense variant.
Genome position (GRCh38, 1-based): chrX:53,575,699, G>A on the plus strand (C>T on the coding strand, the complement: HUWE1 is on the minus strand). VCF-style: chrX-53575699-G-A. GRCh37 (hg19) VCF-style: chrX-53602659-G-A.
Other names: short protein forms R1992W.
Identifiers: ClinVar variation 2628723 (VCV002628723.1), dbSNP rs782650278, ClinGen allele CA10422182.

ClinVar aggregate classification (germline): Likely pathogenic (1 of 4 stars; one submission).

Conditions:
HUWE1-related disorder. Also called: HUWE1-related condition.

Allele frequency attached by ClinVar (database versions not stated): ExAC 0.00001; gnomAD 0.00001; TOPMed 0.00001.
gnomAD v4.1: 4 of 1,208,974 alleles (0.00033%); highest among the groups gnomAD compares: African/African-American, 0.0017%; no homozygotes.

Submission:

PreventionGenetics, part of Exact Sciences
Classification: Likely pathogenic for HUWE1-related condition. Last evaluated: 2023-09-19. Review status: criteria provided, single submitter. Criteria: ACMG Guidelines, 2015. Collection method: clinical testing. Allele origin: germline.
Comment: The HUWE1 c.5974C>T variant is predicted to result in the amino acid substitution p.Arg1992Trp. To our knowledge, this variant has not been reported in the literature. At PreventionGenetics, we have observed this variant in two individuals with a neurodevelopmental disorder phenotype. In at least one patient, this variant was observed to occur de novo. This variant is reported in 0.0076% of alleles in individuals of African descent in gnomAD. This variant is classified as likely pathogenic.